The following is an entry in ClinVar:

ClinVar aggregate classification (germline): Pathogenic (1 of 4 stars; one submission).

Conditions:
Fanconi anemia (FA). Also called: Fanconi's anemia. Identifiers: Orphanet 84, MedGen C0015625, MeSH D005199, MONDO:0019391.

Submission:

Labcorp Genetics (formerly Invitae), Labcorp
Classification: Pathogenic for Fanconi anemia. Last evaluated: 2019-09-03. Review status: criteria provided, single submitter. Criteria: Invitae Variant Classification Sherloc (09022015). Collection method: clinical testing. Allele origin: germline.
Comment: For these reasons, this variant has been classified as Pathogenic. Loss-of-function variants in FANCA are known to be pathogenic (PMID: 19367192). This variant has not been reported in the literature in individuals with FANCA-related conditions. This variant is not present in population databases (ExAC no frequency). This sequence change creates a premature translational stop signal (p.Thr381_Gln382delinsIle*) in the FANCA gene. It is expected to result in an absent or disrupted protein product.

Literature cited by the submitters: PubMed 19367192.

NM_000135.4(FANCA):c.1142_1144delinsTTT (p.Thr381_Gln382delinsIleTer)

Gene: FANCA (FA complementation group A; minus strand). Cytogenetic location: 16q24.3.
Variant type: Indel.
Coding change: c.1142_1144delinsTTT on transcript NM_000135.4 (MANE Select); coding-DNA positions 1142 to 1144, CGC replaced by TTT.
Protein change: p.Thr381_Gln382delinsIleTer.
Molecular consequence: nonsense.
Genome position (GRCh38, 1-based): chr16:89,792,008-89,792,010, GCG replaced by AAA on the plus strand (CGC replaced by TTT on the coding strand, the reverse complement: FANCA is on the minus strand). VCF-style: chr16-89792008-GCG-AAA. GRCh37 (hg19) VCF-style: chr16-89858416-GCG-AAA.
Other names: c.1142_1144delinsTTT, p.Thr381_Gln382delinsIleTer (NM_001286167.3).
Identifiers: ClinVar variation 951056 (VCV000951056.7), dbSNP rs2040092520, ClinGen allele CA1139664966.